The following is an entry in ClinVar:

ClinVar aggregate classification (germline): Uncertain significance. Review status: criteria provided, multiple submitters, no conflicts (2 of 4 stars). 3 submissions from 3 submitters: Uncertain significance (3). Last evaluated 2025-07-09.

Conditions:
Cardiomyopathy (CMYO). Also called: Cardiomyopathies. Identifiers: Orphanet 167848, MedGen C0878544, MONDO:0004994, HP:0001638. Inheritance: Various modes of inheritance.
Arrhythmogenic right ventricular dysplasia 10. Also called: Arrhythmogenic Right Ventricular Dysplasia/Cardiomyopathy10; ARRHYTHMOGENIC RIGHT VENTRICULAR DYSPLASIA, FAMILIAL, 10; Arrhythmogenic right ventricular dysplasia/cardiomyopathy, type 10. Identifiers: MedGen C1857777, MONDO:0012434, OMIM 610193.

Allele frequency attached by ClinVar (database versions not stated): TOPMed below 0.00001; gnomAD 0.00001.
gnomAD v4.1: 1 of 1,613,306 alleles (0.000062%); highest among the groups gnomAD compares: Admixed American, 0.0017%; no homozygotes.

Submissions (3):

Labcorp Genetics (formerly Invitae), Labcorp
Classification: Uncertain significance for Arrhythmogenic right ventricular dysplasia 10. Last evaluated: 2025-07-09. Review status: criteria provided, single submitter. Criteria: Invitae Variant Classification Sherloc (09022015). Collection method: clinical testing. Allele origin: germline.
Comment: This sequence change replaces histidine, which is basic and polar, with asparagine, which is neutral and polar, at codon 74 of the DSG2 protein (p.His74Asn). This variant is not present in population databases (gnomAD no frequency). This variant has not been reported in the literature in individuals affected with DSG2-related conditions. ClinVar contains an entry for this variant (Variation ID: 199798). Invitae Evidence Modeling of protein sequence and biophysical properties (such as structural, functional, and spatial information, amino acid conservation, physicochemical variation, residue mobility, and thermodynamic stability) indicates that this missense variant is not expected to disrupt DSG2 protein function with a negative predictive value of 95%. In summary, the available evidence is currently insufficient to determine the role of this variant in disease. Therefore, it has been classified as a Variant of Uncertain Significance.

Color Diagnostics, LLC DBA Color Health
Classification: Uncertain significance for Cardiomyopathy. Last evaluated: 2025-06-09. Review status: criteria provided, single submitter. Criteria: ACMG Guidelines, 2015. Collection method: clinical testing. Allele origin: germline.
Comment: This missense variant replaces histidine with asparagine at codon 74 of the DSG2 protein. Computational prediction suggests that this variant may not impact protein structure and function. To our knowledge, functional studies have not been reported for this variant. This variant has not been reported in individuals affected with DSG2-related disorders in the literature. This variant has not been identified in the general population by the Genome Aggregation Database (gnomAD). The available evidence is insufficient to determine the role of this variant in disease conclusively. Therefore, this variant is classified as a Variant of Uncertain Significance.

GeneDx
Classification: Uncertain significance. Last evaluated: 2018-06-07. Review status: criteria provided, single submitter. Criteria: GeneDx Variant Classification (06012015). Collection method: clinical testing. Allele origin: germline. Affected: yes.
Comment: p.His74Asn (CAT>AAT): c.220 C>A in exon 4 of the DSG2 gene (NM_001943.3). The H74N variant has not been published as a mutation, nor has it been reported as a benign polymorphism to our knowledge. The H74N variant was not observed in approximately 6,000 individuals of European and African American ancestry in the NHLBI Exome Sequencing Project, indicating it is not a common benign variant in these populations. The H74N variant is a semi-conservative amino acid substitution, which may impact secondary protein structure as these residues differ in some properties. This substitution occurs at a position that is conserved in mammals. In silico analysis is inconsistent in its predictions as to whether or not the variant is damaging to the protein structure/function. Therefore, based on the currently available information, it is unclear whether this variant is a pathogenic mutation or a rare benign variant. The variant is found in CARDIOMYOPATHY, ARRHYTHMIA panel(s).

NM_001943.5(DSG2):c.220C>A (p.His74Asn)

Gene: DSG2 (desmoglein 2; plus strand). Cytogenetic location: 18q12.1.
Variant type: single nucleotide variant.
Coding change: c.220C>A on transcript NM_001943.5 (MANE Select); coding-DNA position 220, C replaced by A.
Protein change: p.His74Asn; replaces histidine 74 with asparagine.
Molecular consequence: missense variant.
Genome position (GRCh38, 1-based): chr18:31,520,806, C>A. VCF-style: chr18-31520806-C-A. GRCh37 (hg19) VCF-style: chr18-29100769-C-A.
Other names: p.H74N:CAT>AAT; c.220C>A (LRG_397t1); short protein forms H74N.
Identifiers: ClinVar variation 199798 (VCV000199798.6), dbSNP rs772406363, ClinGen allele CA021706.